The following is an entry in ClinVar:

NM_005245.4(FAT1):c.11428T>C (p.Trp3810Arg)

Gene: FAT1 (FAT atypical cadherin 1; minus strand). Cytogenetic location: 4q35.2.
Variant type: single nucleotide variant.
Coding change: c.11428T>C on transcript NM_005245.4 (MANE Select); coding-DNA position 11428, T replaced by C.
Protein change: p.Trp3810Arg; replaces tryptophan 3810 with arginine.
Molecular consequence: missense variant.
Genome position (GRCh38, 1-based): chr4:186,602,957, A>G on the plus strand (T>C on the coding strand, the complement: FAT1 is on the minus strand). VCF-style: chr4-186602957-A-G. GRCh37 (hg19) VCF-style: chr4-187524111-A-G.
Other names: short protein forms W3810R.
Identifiers: ClinVar variation 3513169 (VCV003513169.2).
Genomic context (GRCh38, chr4:186,602,957, plus strand): 5'-TCTCACCTGGGCACTGACCAAACCTGCCGCTGGGACAGACACAGGTGTGTTTCTCCTCCC[A>G]GGGATCAGACACACATTCGGATCCCTCAGGGCACGGATCATCTTCACAGCCATGGTGGAC-3'
Protein context (NP_005236.2, residues 3800-3820): PEGSECVSDP[Trp3810Arg]EEKHTCVCPS

ClinVar aggregate classification (germline): Conflicting classifications of pathogenicity. Review status: criteria provided, conflicting classifications (1 of 4 stars). 2 submissions from 2 submitters: Uncertain significance (1); Likely benign (1). Last evaluated 2026-04-13.

Conditions:
Inborn genetic diseases. Identifiers: MedGen C0950123, MeSH D030342.
FAT1-related disorder. Also called: FAT1-related condition.

gnomAD v4.1: 87 of 1,613,868 alleles (0.0054%); highest among the groups gnomAD compares: Non-Finnish European, 0.0068%; no homozygotes.

Submissions (2):

PreventionGenetics, part of Exact Sciences
Classification: Uncertain significance for FAT1-related condition. Last evaluated: 2026-04-13. Review status: criteria provided, single submitter. Criteria: ACMG Guidelines, 2015. Collection method: clinical testing. Allele origin: germline.
Comment: The FAT1 c.11428T>C variant is predicted to result in the amino acid substitution p.Trp3810Arg. To our knowledge, this variant has not been reported in the literature. This variant is reported in 0.0041% of alleles in individuals of African descent in gnomAD. Although we suspect that this variant may be benign, at this time, the clinical significance of this variant is uncertain due to the absence of conclusive functional and genetic evidence.

Ambry Genetics
Classification: Likely benign for Inborn genetic diseases. Last evaluated: 2024-09-04. Review status: criteria provided, single submitter. Criteria: Ambry Variant Classification Scheme 2023. Collection method: clinical testing. Allele origin: germline.